The following is an entry in ClinVar:

ClinVar aggregate classification (germline): Benign (0 of 4 stars; one submission).

Conditions:
NCOR2-related disorder. Also called: NCOR2-related condition.

Allele frequency attached by ClinVar (database versions not stated): gnomAD exomes 0.00085; ExAC 0.00290; ESP Exome Variant Server 0.00875; gnomAD 0.00900; TOPMed 0.01034; 1000 Genomes Project 0.01058; 1000 Genomes Project 30x 0.01124.
gnomAD v4.1: 2,689 of 1,607,922 alleles (0.17%); highest among the groups gnomAD compares: African/African-American, 3.1%; 34 homozygotes.

Submission:

PreventionGenetics, part of Exact Sciences
Classification: Benign for NCOR2-related condition. Last evaluated: 2019-07-31. Review status: no assertion criteria provided. Collection method: clinical testing. Allele origin: germline.
Comment: This variant is classified as benign based on ACMG/AMP sequence variant interpretation guidelines (Richards et al. 2015 PMID: 25741868, with internal and published modifications).

NM_006312.6(NCOR2):c.6156C>T (p.Pro2052=)

Gene: NCOR2 (nuclear receptor corepressor 2; minus strand). Cytogenetic location: 12q24.31.
Variant type: single nucleotide variant.
Coding change: c.6156C>T on transcript NM_006312.6 (MANE Select); coding-DNA position 6156, C replaced by T.
Protein change: p.Pro2052=; no amino-acid change (proline 2052 retained).
Molecular consequence: synonymous variant.
Genome position (GRCh38, 1-based): chr12:124,335,592, G>A on the plus strand (C>T on the coding strand, the complement: NCOR2 is on the minus strand). VCF-style: chr12-124335592-G-A. GRCh37 (hg19) VCF-style: chr12-124820138-G-A.
Other names: c.6126C>T, p.Pro2042= (NM_001077261.4, NM_001206654.2).
Identifiers: ClinVar variation 3050628 (VCV003050628.2), dbSNP rs116511777, ClinGen allele CA6867600.
Genomic context (GRCh38, chr12:124,335,592, plus strand): 5'-TTCCAGGTGCTTGGGGAGCCCCTTGTCGTGGGTCAGACTGGGTGAGCTCACAGGGCTGAC[G>A]GGCTCCACCCCTTCGGGGCTGTAGCTGCTGCCGTGGTAACCTAGGGCAGGCGGGGGGTGC-3'
Protein context (NP_006303.4, residues 2042-2062): GSSYSPEGVE[Pro2052=]VSPVSSPSLT